The following is an entry in ClinVar:

NM_000135.4(FANCA):c.601C>T (p.Pro201Ser)

Gene: FANCA (FA complementation group A; minus strand). Cytogenetic location: 16q24.3.
Variant type: single nucleotide variant.
Coding change: c.601C>T on transcript NM_000135.4 (MANE Select); coding-DNA position 601, C replaced by T.
Protein change: p.Pro201Ser; replaces proline 201 with serine.
Molecular consequence: missense variant.
Genome position (GRCh38, 1-based): chr16:89,805,388, G>A on the plus strand (C>T on the coding strand, the complement: FANCA is on the minus strand). VCF-style: chr16-89805388-G-A. GRCh37 (hg19) VCF-style: chr16-89871796-G-A.
Other names: p.Pro201Ser; c.601C>T (NM_000135.3, LRG_495t1); c.601C>T, p.Pro201Ser (NM_001018112.3, NM_001286167.3); c.505C>T, p.Pro169Ser (NM_001351830.2); short protein forms P201S, P169S.
Identifiers: ClinVar variation 321367 (VCV000321367.27), dbSNP rs144917960, ClinGen allele CA8252882.
Genomic context (GRCh38, chr16:89,805,388, plus strand): 5'-TCTGTTCACAAAGGCAGCACAGATTCCTGAAGAGCCACGATCCCACAGCATGCATGTCGG[G>A]ATGGCTGGAGACACACACAGAGGCAGACGTAAGGCTCAACTAAATCCCATCATCAGGGGA-3'
Protein context (NP_000126.2, residues 191-211): VSLQELLESH[Pro201Ser]DMHAVGSWLF

ClinVar aggregate classification (germline): Benign/Likely benign. Review status: criteria provided, multiple submitters, no conflicts (2 of 4 stars). 8 submissions from 8 submitters: Benign (5); Likely benign (3). Last evaluated 2026-01-21.

Conditions:
Fanconi anemia complementation group A (FANCA). Also called: Fanconi anemia, group A; FANCA-Related Fanconi Anemia. Identifiers: Orphanet 84, MedGen C3469521, MONDO:0009215, OMIM 227650.
Fanconi anemia (FA). Also called: Fanconi's anemia. Identifiers: Orphanet 84, MedGen C0015625, MeSH D005199, MONDO:0019391.

Allele frequency attached by ClinVar (database versions not stated): TOPMed 0.00030; ESP Exome Variant Server 0.00038; 1000 Genomes Project 30x 0.00109; 1000 Genomes Project 0.00140; gnomAD exomes 0.00252 and 0.00599; ExAC 0.00557; gnomAD 0.00895.
gnomAD v4.1: 4,339 of 1,612,398 alleles (0.27%); highest among the groups gnomAD compares: Non-Finnish European, 0.053%; 122 homozygotes.

Submissions (8):

Labcorp Genetics (formerly Invitae), Labcorp
Classification: Benign for Fanconi anemia. Last evaluated: 2026-01-21. Review status: criteria provided, single submitter. Criteria: Invitae Variant Classification Sherloc (09022015). Collection method: clinical testing. Allele origin: germline.

CeGaT Center for Human Genetics Tuebingen
Classification: Likely benign. Last evaluated: 2026-01-01. Review status: criteria provided, single submitter. Criteria: CeGaT Center For Human Genetics Tuebingen Variant Classification Criteria Version 2. Collection method: clinical testing. Allele origin: germline. Affected: yes. Observed: 1 variant allele.
Comment: FANCA: BP4

Blueprint Genetics
Classification: Likely benign. Last evaluated: 2024-11-23. Review status: criteria provided, single submitter. Criteria: ACMG Guidelines, 2015. Collection method: clinical testing. Allele origin: germline.

Quest Diagnostics Nichols Institute San Juan Capistrano
Classification: Benign. Last evaluated: 2022-08-23. Review status: criteria provided, single submitter. Criteria: Quest Diagnostics criteria. Collection method: clinical testing. Allele origin: unknown.

Genetic Services Laboratory, University of Chicago
Classification: Benign. Last evaluated: 2021-08-24. Review status: criteria provided, single submitter. Criteria: ACMG Guidelines, 2015. Collection method: clinical testing. Allele origin: germline. Affected: no.

Mayo Clinic Laboratories, Mayo Clinic
Classification: Benign. Last evaluated: 2021-05-06. Review status: criteria provided, single submitter. Criteria: ACMG Guidelines, 2015. Collection method: clinical testing. Allele origin: germline. Observed: 1 variant allele.

GeneDx
Classification: Benign. Last evaluated: 2020-04-01. Review status: criteria provided, single submitter. Criteria: GeneDx Variant Classification Process June 2021. Collection method: clinical testing. Allele origin: germline. Affected: yes.

Illumina Laboratory Services, Illumina
Classification: Likely benign for Fanconi anemia complementation group A. Last evaluated: 2018-01-13. Review status: criteria provided, single submitter. Criteria: ICSL Variant Classification Criteria 13 December 2019. Collection method: clinical testing. Allele origin: germline.
Comment: This variant was observed in the ICSL laboratory as part of a predisposition screen in an ostensibly healthy population. It had not been previously curated by ICSL or reported in the Human Gene Mutation Database (HGMD: prior to June 1st, 2018), and was therefore a candidate for classification through an automated scoring system. Utilizing variant allele frequency, disease prevalence and penetrance estimates, and inheritance mode, an automated score was calculated to assess if this variant is too frequent to cause the disease. Based on the score and internal cut-off values, a variant classified as likely benign is not then subjected to further curation. The score for this variant resulted in a classification of likely benign for this disease.